The following is an entry in ClinVar:

NM_000256.3(MYBPC3):c.2371C>T (p.Gln791Ter)

Gene: MYBPC3 (myosin binding protein C3; minus strand). Cytogenetic location: 11p11.2.
Variant type: single nucleotide variant.
Coding change: c.2371C>T on transcript NM_000256.3 (MANE Select); coding-DNA position 2371, C replaced by T.
Protein change: p.Gln791Ter; replaces glutamine 791 with a stop codon.
Molecular consequence: nonsense.
Genome position (GRCh38, 1-based): chr11:47,337,732, G>A on the plus strand (C>T on the coding strand, the complement: MYBPC3 is on the minus strand). VCF-style: chr11-47337732-G-A. GRCh37 (hg19) VCF-style: chr11-47359283-G-A.
Other names: short protein forms Q791*.
Identifiers: ClinVar variation 217478 (VCV000217478.22), dbSNP rs863225106, ClinGen allele CA279318.

ClinVar aggregate classification (germline): Pathogenic/Likely pathogenic. Review status: criteria provided, multiple submitters, no conflicts (2 of 4 stars). 7 submissions from 7 submitters: Pathogenic (6); Likely pathogenic (1). Last evaluated 2026-02-26.

Conditions:
Cardiomyopathy (CMYO). Also called: Cardiomyopathies. Identifiers: Orphanet 167848, MedGen C0878544, MONDO:0004994, HP:0001638. Inheritance: Various modes of inheritance.
Hypertrophic cardiomyopathy. Also called: HYPERTROPHIC MYOCARDIOPATHY. Identifiers: Orphanet 217569, MedGen C0007194, MeSH D002312, MONDO:0005045, HP:0001639.
Hypertrophic cardiomyopathy 4. Also called: Familial hypertrophic cardiomyopathy 4. Identifiers: MedGen C1861862, MONDO:0007268, OMIM 115197.
Cardiovascular phenotype. Identifiers: MedGen CN230736.

Submissions (7):

Institute of Immunology and Genetics Kaiserslautern
Classification: Pathogenic for Hypertrophic cardiomyopathy 4. Last evaluated: 2026-02-26. Review status: criteria provided, single submitter. Criteria: ACMG Guidelines, 2015. Collection method: clinical testing. Allele origin: germline. Affected: yes.
Comment: ACMG Criteria: PVS1, PS4_M, PM2; Variant was found in heterozygous state.

Labcorp Genetics (formerly Invitae), Labcorp
Classification: Pathogenic for Hypertrophic cardiomyopathy. Last evaluated: 2024-01-06. Review status: criteria provided, single submitter. Criteria: Invitae Variant Classification Sherloc (09022015). Collection method: clinical testing. Allele origin: germline.
Comment: This sequence change creates a premature translational stop signal (p.Gln791*) in the MYBPC3 gene. It is expected to result in an absent or disrupted protein product. Loss-of-function variants in MYBPC3 are known to be pathogenic (PMID: 19574547). This variant is not present in population databases (gnomAD no frequency). This premature translational stop signal has been observed in individual(s) with hypertrophic cardiomyopathy (PMID: 27532257, 30165862). ClinVar contains an entry for this variant (Variation ID: 217478). For these reasons, this variant has been classified as Pathogenic.

Ambry Genetics
Classification: Pathogenic for Cardiovascular phenotype. Last evaluated: 2022-11-22. Review status: criteria provided, single submitter. Criteria: Ambry Variant Classification Scheme 2023. Collection method: clinical testing. Allele origin: germline.
Comment: The p.Q791* pathogenic mutation (also known as c.2371C>T), located in coding exon 24 of the MYBPC3 gene, results from a C to T substitution at nucleotide position 2371. This changes the amino acid from a glutamine to a stop codon within coding exon 24. This variant is considered to be rare based on population cohorts in the Genome Aggregation Database (gnomAD). This alteration is expected to result in loss of function by premature protein truncation or nonsense-mediated mRNA decay. As such, this alteration is interpreted as a disease-causing mutation.

GeneDx
Classification: Pathogenic. Last evaluated: 2020-12-03. Review status: criteria provided, single submitter. Criteria: GeneDx Variant Classification Process June 2021. Collection method: clinical testing. Allele origin: germline. Affected: yes.
Comment: Has been reported in association with HCM in published literature (Walsh et al., 2017; Lu et al., 2018); Not observed in large population cohorts (Lek et al., 2016); Nonsense variant predicted to result in protein truncation or nonsense mediated decay in a gene for which loss-of-function is a known mechanism of disease; Reported in ClinVar as pathogenic or likely pathogenic (ClinVar Variant ID# 217478; Landrum et al., 2016); This variant is associated with the following publications: (PMID: 27532257, 30165862)

CHEO Genetics Diagnostic Laboratory, Children's Hospital of Eastern Ontario
Classification: Pathogenic for Cardiomyopathy. Last evaluated: 2020-06-12. Review status: criteria provided, single submitter. Criteria: ACMG Guidelines, 2015. Collection method: clinical testing. Allele origin: germline.

Agnes Ginges Centre for Molecular Cardiology, Centenary Institute
Classification: Pathogenic for Hypertrophic cardiomyopathy 4. Last evaluated: 2018-08-07. Review status: criteria provided, single submitter. Criteria: ACMG Guidelines, 2015. Collection method: research. Allele origin: germline. Inheritance: Autosomal dominant inheritance. Affected: yes.
Comment: MYBPC3 Gln791Ter has been previously reported in 1 HCM proband (Walsh R, et al., 2017) and has been identified in a HCM proband from both Royal Brisbane Hospital and the University de Sao Paulo (Pers. Comm.). The variant is absent from the Genome Aggregation Database. Based on the adapted ACMG guidelines (Kelly MA, et al., 2018), this variant results in loss of function of MYBPC3 (PVS1), is rare in the general population (PM2) and has been identified in at least 4 probands (PS4_supporting), therefore we classify MYBPC3 Gln791Ter as 'pathogenic'.

Laboratory of Genetics and Molecular Cardiology, University of São Paulo
Classification: Likely pathogenic for Hypertrophic cardiomyopathy 4. Review status: criteria provided, single submitter. Criteria: LGCM Criteria August 2015. Collection method: clinical testing. Allele origin: germline. Inheritance: Autosomal dominant inheritance. Affected: yes. Observed: 1 variant allele. Study: Sarcomeric Human Cardiomyopathy Registry (ShaRe).

Literature cited by the submitters: PubMed 19574547 (cited by Labcorp Genetics (formerly Invitae), Labcorp); PubMed 27532257 (cited by Labcorp Genetics (formerly Invitae), Labcorp and Agnes Ginges Centre for Molecular Cardiology, Centenary Institute); PubMed 30165862 (cited by Labcorp Genetics (formerly Invitae), Labcorp).